The following is an entry in ClinVar:

ClinVar aggregate classification (germline): Uncertain significance (1 of 4 stars; one submission).

Conditions:
Hereditary cancer-predisposing syndrome. Also called: Neoplastic Syndromes, Hereditary; Tumor predisposition; Hereditary neoplastic syndrome; Hereditary Cancer Syndrome. Identifiers: Orphanet 140162, MedGen C0027672, MeSH D009386, MONDO:0015356.

Submission:

Ambry Genetics
Classification: Uncertain significance for Hereditary cancer-predisposing syndrome. Last evaluated: 2026-08-15. Review status: criteria provided, single submitter. Criteria: Ambry Variant Classification Scheme 2023. Collection method: clinical testing. Allele origin: germline.
Comment: The p.R346S variant (also known as c.1038G>C), located in coding exon 11 of the POLE gene, results from a G to C substitution at nucleotide position 1038. The arginine at codon 346 is replaced by serine, an amino acid with dissimilar properties. This amino acid position is conserved. In addition, the in silico prediction for this alteration is inconclusive. Based on the available evidence, the clinical significance of this variant remains unclear.

NM_006231.4(POLE):c.1038G>C (p.Arg346Ser)

Gene: POLE (DNA polymerase epsilon, catalytic subunit; minus strand). Cytogenetic location: 12q24.33.
Variant type: single nucleotide variant.
Coding change: c.1038G>C on transcript NM_006231.4 (MANE Select); coding-DNA position 1038, G replaced by C.
Protein change: p.Arg346Ser; replaces arginine 346 with serine.
Molecular consequence: missense variant.
Genome position (GRCh38, 1-based): chr12:132,675,803, C>G on the plus strand (G>C on the coding strand, the complement: POLE is on the minus strand). VCF-style: chr12-132675803-C-G. GRCh37 (hg19) VCF-style: chr12-133252389-C-G.
Other names: short protein forms R346S.
Identifiers: ClinVar variation 5027115 (VCV005027115.1).
Genomic context (GRCh38, chr12:132,675,803, plus strand): 5'-AAAGTCCCCGTTGTAGGTGACCATGATGGTGGGTTTGGTCTCCTGGACGTGTTCAAACCA[C>G]CTTTGGATCAGATGAGCCTGAACCCAAGTCACAGCAGTCAGAGGTCTGCTCTTTCTCTTC-3'
Protein context (NP_006222.2, residues 336-356): NEPDEAHLIQ[Arg346Ser]WFEHVQETKP